The following is an entry in ClinVar:

NM_006361.6(HOXB13):c.63G>A (p.Ala21=)

Gene: HOXB13 (homeobox B13; minus strand). Cytogenetic location: 17q21.32.
Variant type: single nucleotide variant.
Coding change: c.63G>A on transcript NM_006361.6 (MANE Select); coding-DNA position 63, G replaced by A.
Protein change: p.Ala21=; no amino-acid change (alanine 21 retained).
Molecular consequence: synonymous variant.
Genome position (GRCh38, 1-based): chr17:48,728,531, C>T on the plus strand (G>A on the coding strand, the complement: HOXB13 is on the minus strand). VCF-style: chr17-48728531-C-T. GRCh37 (hg19) VCF-style: chr17-46805893-C-T.
Identifiers: ClinVar variation 1113624 (VCV001113624.12), dbSNP rs368505949, ClinGen allele CA8634073.

ClinVar aggregate classification (germline): Benign/Likely benign. Review status: criteria provided, multiple submitters, no conflicts (2 of 4 stars). 3 submissions from 3 submitters: Benign (1); Likely benign (2). Last evaluated 2025-03-09.

Conditions:
Prostate cancer, hereditary, 9 (HPC9). Identifiers: Orphanet 1331, MedGen C1970250, MONDO:0012597, OMIM 610997.
Hereditary cancer-predisposing syndrome. Also called: Hereditary neoplastic syndrome; Hereditary Cancer Syndrome; Neoplastic Syndromes, Hereditary; Tumor predisposition. Identifiers: Orphanet 140162, MedGen C0027672, MeSH D009386, MONDO:0015356.

Allele frequency attached by ClinVar (database versions not stated): gnomAD exomes below 0.00001; ExAC 0.00001; gnomAD 0.00001; TOPMed 0.00001; ESP Exome Variant Server 0.00008.

Submissions (3):

Labcorp Genetics (formerly Invitae), Labcorp
Classification: Likely benign. Last evaluated: 2025-03-09. Review status: criteria provided, single submitter. Criteria: Invitae Variant Classification Sherloc (09022015). Collection method: clinical testing. Allele origin: germline.

Myriad Genetics, Inc.
Classification: Benign for Prostate cancer, hereditary, 9. Last evaluated: 2024-10-28. Review status: criteria provided, single submitter. Criteria: Myriad Autosomal Dominant, Autosomal Recessive and X-Linked Classification Criteria (2023). Collection method: clinical testing. Allele origin: unknown.
Comment: This variant is considered benign. This variant is a silent/synonymous amino acid change and it is not expected to impact splicing.

Ambry Genetics
Classification: Likely benign for Hereditary cancer-predisposing syndrome. Last evaluated: 2021-11-02. Review status: criteria provided, single submitter. Criteria: Ambry Variant Classification Scheme 2023. Collection method: clinical testing. Allele origin: germline.